The following is an entry in ClinVar:

NM_000070.3(CAPN3):c.499-1G>A

Gene: CAPN3 (calpain 3; plus strand). Cytogenetic location: 15q15.1.
Variant type: single nucleotide variant.
Coding change: c.499-1G>A on transcript NM_000070.3 (MANE Select); the canonical splice acceptor site of the intron before coding-DNA position 499, G replaced by A.
Molecular consequence: splice acceptor variant.
Genome position (GRCh38, 1-based): chr15:42,387,752, G>A. VCF-style: chr15-42387752-G-A. GRCh37 (hg19) VCF-style: chr15-42679950-G-A.
Other names: c.499-1G>A (NM_024344.2, NM_173087.2).
Identifiers: ClinVar variation 217157 (VCV000217157.33), dbSNP rs863224964, ClinGen allele CA347510.

ClinVar aggregate classification (germline): Pathogenic. Review status: reviewed by expert panel (3 of 4 stars). 10 submissions from 10 submitters: Pathogenic (1). 9 of the submissions do not count toward it. Last evaluated 2025-08-14.

Conditions:
Muscular dystrophy, limb-girdle, autosomal dominant 4. Also called: Calpain-3-related limb-girdle muscular dystrophy D4; MUSCULAR DYSTROPHY, LIMB-GIRDLE, TYPE 1I. Identifiers: Orphanet 565909, MedGen C4748295, MONDO:0029133, OMIM 618129.
CAPN3-related disorder. Also called: CAPN3-related condition; CAPN3-related disorders. Identifiers: MedGen CN239245.
Autosomal recessive limb-girdle muscular dystrophy. Identifiers: Orphanet 102015, MedGen C2931907, MONDO:0015152.
Autosomal recessive limb-girdle muscular dystrophy type 2A (LGMDR1). Also called: Muscular dystrophy, limb-girdle, type 2A, Amish; LEYDEN-MOEBIUS MUSCULAR DYSTROPHY; Limb-girdle muscular dystrophy, type 2A; Calpainopathy; MUSCULAR DYSTROPHY, PELVOFEMORAL. Identifiers: Orphanet 267, MedGen C1869123, MONDO:0009675, OMIM 253600. Disease mechanism: loss of function.

Allele frequency attached by ClinVar (database versions not stated): gnomAD exomes 0.00002 and 0.00003; gnomAD 0.00005 and 0.00006; TOPMed 0.00005.
gnomAD v4.1: 56 of 1,614,114 alleles (0.0035%); highest among the groups gnomAD compares: Admixed American, 0.02%; no homozygotes.

Submissions (10):

ClinGen Limb Girdle Muscular Dystrophy Variant Curation Expert Panel, ClinGen
Classification: Pathogenic for Autosomal recessive limb-girdle muscular dystrophy. Last evaluated: 2025-08-14. Review status: reviewed by expert panel. Criteria: ClinGen LGMD VCEP ACMG Specifications CAPN3 V1.0.0. Collection method: curation. Allele origin: germline. Inheritance: Autosomal recessive inheritance.
Comment: The NM_000070.3: c.499-1G>A variant in CAPN3 occurs within the canonical splice acceptor site for exon 4 and is predicted to abolish the acceptor site, with a SpliceAI score of 0.77. Skipping of exon 4, which is out of frame, is expected to lead to a frameshift, premature truncation, and nonsense mediated RNA decay in a gene in which loss of function is an established mechanism of disease (PVS1). This variant has been reported in at least six individuals with features consistent with LGMD (PMID: 18055493, 16650086, 16650086, 19556129; ClinVar SCV001395475.6 internal data communication), including in a homozygous state without reported familial consanguinity in one patient (0.5 pts, ClinVar SCV001395475.6 internal data communication) and confirmed in trans with a likely pathogenic or pathogenic variant in one patient (c.1468C>T (p.Arg490Trp), 1.0 pt, ClinVar SCV001395475.6 internal data communication) (PM3). At least one individual with this variant and a second presumed diagnostic CAPN3 variant displayed progressive limb girdle muscle weakness or had a clinical suspicion of LGMD (PMID: 18055493, 16650086; ClinVar SCV001395475.6 internal data communication) (PP4). The filtering allele frequency of this variant in gnomAD v4.1.0 exomes is 0.0002351 (the upper bound of the 95% CI of 5/44722 Admixed American chromosomes), which is greater than the ClinGen LGMD VCEP threshold (≤0.0001) (PM2_Supporting not met). In summary, this variant meets the criteria to be classified as Pathogenic for autosomal recessive limb girdle muscular dystrophy based on the ACMG/AMP criteria applied, as specified by the ClinGen LGMD VCEP (LGMD VCEP specifications version 1.0.0; 08/14/2025): PVS1, PM3, PP4.

Women's Health and Genetics/Laboratory Corporation of America, LabCorp
Classification: Pathogenic for Autosomal recessive limb-girdle muscular dystrophy. Last evaluated: 2026-02-09. Review status: criteria provided, single submitter. Criteria: LabCorp Variant Classification Summary - May 2015. Collection method: clinical testing. Allele origin: germline. Not counted in ClinVar's aggregate classification.
Comment: Variant summary: CAPN3 c.499-1G>A is located in a canonical splice-site and is predicted to affect mRNA splicing resulting in a significantly altered protein due to either exon skipping, shortening, or inclusion of intronic material. Variants that disrupt the consensus splice site are a relatively common cause of aberrant splicing and loss of CAPN3 function. Several computational tools predict a significant impact on normal splicing: Four predict the variant abolishes a 3' acceptor site. However, these predictions have yet to be confirmed by functional studies. The variant allele was found at a frequency of 2.4e-05 in 251468 control chromosomes. c.499-1G>A has been observed in individual(s) affected with Limb-Girdle Muscular Dystrophy, Autosomal Recessive (example: Beecroft_2020, Groen_2007, Krahn_2006). These data indicate that the variant is likely to be associated with disease. The following publications have been ascertained in the context of this evaluation (PMID: 32153140, 16650086, 18055493). ClinVar contains an entry for this variant (Variation ID: 217157). Based on the evidence outlined above, the variant was classified as pathogenic.

Natera, Inc.
Classification: Pathogenic for Limb-girdle muscular dystrophy type 2A. Last evaluated: 2025-07-11. Review status: criteria provided, single submitter. Criteria: Natera Variant Classification Schema (03/2026). Collection method: clinical testing. Allele origin: germline. Not counted in ClinVar's aggregate classification.
Comment: The c.499-1G>A variant in CAPN3 is a canonical splice acceptor site variant predicted to affect pre-mRNA splicing, which may result in an abnormal transcript and altered protein product. This variant is expected to result in nonsense mediated decay, truncation, or a dysfunctional protein product. This variant is rare in the general population with a frequency below the threshold expected for the associated phenotype(s). This variant has been observed in one or more individuals affected with the associated recessive disease, as either homozygous or compound heterozygous with a second variant (PMID: 18055493, 35169782). Additionally, this variant has been observed to segregate in affected family members (PMID: 35169782). Given the available evidence, this variant is classified as Pathogenic.

Revvity Omics, Revvity
Classification: Pathogenic. Last evaluated: 2025-04-21. Review status: criteria provided, single submitter. Criteria: ACMG Guidelines, 2015. Collection method: clinical testing. Allele origin: germline. Not counted in ClinVar's aggregate classification.

Labcorp Genetics (formerly Invitae), Labcorp
Classification: Pathogenic for Autosomal recessive limb-girdle muscular dystrophy type 2A. Last evaluated: 2025-04-03. Review status: criteria provided, single submitter. Criteria: Invitae Variant Classification Sherloc (09022015). Collection method: clinical testing. Allele origin: germline. Not counted in ClinVar's aggregate classification.
Comment: This sequence change affects an acceptor splice site in intron 3 of the CAPN3 gene. It is expected to disrupt RNA splicing. Variants that disrupt the donor or acceptor splice site typically lead to a loss of protein function (PMID: 16199547), and loss-of-function variants in CAPN3 are known to be pathogenic (PMID: 10330340, 15689361). This variant is present in population databases (no rsID available, gnomAD 0.01%). Disruption of this splice site has been observed in individuals with autosomal recessive limb-girdle muscular dystrophy (PMID: 16650086, 18055493). ClinVar contains an entry for this variant (Variation ID: 217157). Algorithms developed to predict the effect of sequence changes on RNA splicing suggest that this variant may disrupt the consensus splice site. For these reasons, this variant has been classified as Pathogenic.

CeGaT Center for Human Genetics Tuebingen
Classification: Pathogenic. Last evaluated: 2024-10-01. Review status: criteria provided, single submitter. Criteria: CeGaT Center For Human Genetics Tuebingen Variant Classification Criteria Version 2. Collection method: clinical testing. Allele origin: germline. Affected: yes. Observed: 1 variant allele. Not counted in ClinVar's aggregate classification.
Comment: CAPN3: PVS1, PM2, PM3

Baylor Genetics
Classification: Pathogenic for Muscular dystrophy, limb-girdle, autosomal dominant 4. Last evaluated: 2023-04-07. Review status: criteria provided, single submitter. Criteria: ACMG Guidelines, 2015. Collection method: clinical testing. Allele origin: unknown. Not counted in ClinVar's aggregate classification.

Blueprint Genetics
Classification: Pathogenic for CAPN3-related disorders. Last evaluated: 2021-07-06. Review status: criteria provided, single submitter. Criteria: ACMG Guidelines, 2015. Collection method: clinical testing. Allele origin: germline. Affected: yes. Observed: 1 variant allele. Not counted in ClinVar's aggregate classification.

Athena Diagnostics
Classification: Pathogenic for Limb-girdle muscular dystrophy, type 2A. Last evaluated: 2014-08-08. Review status: criteria provided, single submitter. Criteria: Athena Diagnostics Criteria. Collection method: clinical testing. Allele origin: germline. Inheritance: Autosomal recessive inheritance. Not counted in ClinVar's aggregate classification.

Counsyl
Classification: Pathogenic for Autosomal recessive limb-girdle muscular dystrophy type 2A. Last evaluated: 2018-04-04. Review status: no assertion criteria provided. Collection method: clinical testing. Allele origin: unknown. Not counted in ClinVar's aggregate classification.

Literature cited by the submitters: PubMed 18055493 (cited by 5 submitters); PubMed 16650086 (cited by 4 submitters); PubMed 32153140 (cited by Women's Health and Genetics/Laboratory Corporation of America, LabCorp); PubMed 35169782 (cited by Natera, Inc.); PubMed 16199547 (cited by Labcorp Genetics (formerly Invitae), Labcorp); PubMed 10330340 (cited by Labcorp Genetics (formerly Invitae), Labcorp); PubMed 15689361 (cited by Labcorp Genetics (formerly Invitae), Labcorp); PubMed 19556129 (cited by Counsyl).